The following is an entry in ClinVar:

NM_001429.4(EP300):c.4856T>A (p.Ile1619Asn)

Gene: EP300 (EP300 lysine acetyltransferase; plus strand). Cytogenetic location: 22q13.2.
Variant type: single nucleotide variant.
Coding change: c.4856T>A on transcript NM_001429.4 (MANE Select); coding-DNA position 4856, T replaced by A.
Protein change: p.Ile1619Asn; replaces isoleucine 1619 with asparagine.
Molecular consequence: missense variant.
Genome position (GRCh38, 1-based): chr22:41,176,323, T>A. VCF-style: chr22-41176323-T-A. GRCh37 (hg19) VCF-style: chr22-41572327-T-A.
Other names: c.4778T>A, p.Ile1593Asn (NM_001362843.2); short protein forms I1593N, I1619N.
Identifiers: ClinVar variation 3775708 (VCV003775708.1).

ClinVar aggregate classification (germline): Uncertain significance (1 of 4 stars; one submission).

Conditions:
Menke-Hennekam syndrome 2 (MKHK2). Identifiers: MedGen C5193035, MONDO:0020769, OMIM 618333.
Rubinstein-Taybi syndrome due to EP300 haploinsufficiency. Also called: RUBINSTEIN-TAYBI SYNDROME 2; EP300-Related Rubinstein-Taybi Syndrome. Identifiers: Orphanet 353284, Orphanet 783, MedGen C3150941, MONDO:0013364, OMIM 613684.

Submission:

3billion
Classification: Uncertain significance for Menke-Hennekam syndrome 2; Rubinstein-Taybi syndrome due to EP300 haploinsufficiency. Last evaluated: 2024-04-12. Review status: criteria provided, single submitter. Criteria: ACMG Guidelines, 2015. Collection method: clinical testing. Allele origin: germline. Affected: yes.
Comment: The variant is not observed in the gnomAD v4.0.0 dataset. Predicted Consequence/Location: The majority of the known disease-causing variants of this gene are variants expected to result in premature termination of the protein. In silico tool predictions suggest damaging effect of the variant on gene or gene product [REVEL: 0.79 (>=0.6, sensitivity 0.68 and specificity 0.92); 3Cnet: 0.78 (>=0.6, sensitivity 0.72 and precision 0.9)]. Therefore, this variant is classified as VUS according to the recommendation of ACMG/AMP guideline.